The following is an entry in ClinVar:

NM_021815.5(SLC5A7):c.694G>A (p.Val232Ile)

Gene: SLC5A7 (solute carrier family 5 member 7; plus strand). Cytogenetic location: 2q12.3.
Variant type: single nucleotide variant.
Coding change: c.694G>A on transcript NM_021815.5 (MANE Select); coding-DNA position 694, G replaced by A.
Protein change: p.Val232Ile; replaces valine 232 with isoleucine.
Molecular consequence: missense variant. On other transcripts: 5 prime UTR variant (1).
Genome position (GRCh38, 1-based): chr2:108,001,993, G>A. VCF-style: chr2-108001993-G-A. GRCh37 (hg19) VCF-style: chr2-108618449-G-A.
Other names: c.694G>A, p.Val232Ile (NM_001305005.3); c.379G>A, p.Val127Ile (NM_001305006.3); c.-48G>A (NM_001305007.3); short protein forms V127I, V232I.
Identifiers: ClinVar variation 1800732 (VCV001800732.1), dbSNP rs1300580667, ClinGen allele CA348112916.

ClinVar aggregate classification (germline): Uncertain significance (1 of 4 stars; one submission).

gnomAD v4.1: 1 of 1,614,216 alleles (0.000062%); highest among the groups gnomAD compares: Non-Finnish European, 0.000085%; no homozygotes.

Submission:

GeneDx
Classification: Uncertain significance. Last evaluated: 2022-05-18. Review status: criteria provided, single submitter. Criteria: GeneDx Variant Classification Process June 2021. Collection method: clinical testing. Allele origin: germline. Affected: yes.
Comment: Has not been previously published as pathogenic or benign to our knowledge; In silico analysis supports that this missense variant does not alter protein structure/function